The following is an entry in ClinVar:

NM_000277.3(PAH):c.511G>A (p.Gly171Arg)

Gene: PAH (phenylalanine hydroxylase; minus strand). Cytogenetic location: 12q23.2.
Variant type: single nucleotide variant.
Coding change: c.511G>A on transcript NM_000277.3 (MANE Select); coding-DNA position 511, G replaced by A.
Protein change: p.Gly171Arg; replaces glycine 171 with arginine.
Molecular consequence: missense variant.
Genome position (GRCh38, 1-based): chr12:102,855,331, C>T on the plus strand (G>A on the coding strand, the complement: PAH is on the minus strand). VCF-style: chr12-102855331-C-T. GRCh37 (hg19) VCF-style: chr12-103249109-C-T.
Other names: NM_000277.2(PAH):c.511G>A; c.511G>A, p.Gly171Arg (NM_001354304.2); c.511G>A (NM_000277.2); short protein forms G171R.
Identifiers: ClinVar variation 102716 (VCV000102716.16), dbSNP rs199475613, ClinGen allele CA229598.

ClinVar aggregate classification (germline): Likely pathogenic. Review status: reviewed by expert panel (3 of 4 stars). 6 submissions from 6 submitters: Likely pathogenic (1). 5 of the submissions do not count toward it. Last evaluated 2018-08-10.

Conditions:
Phenylketonuria (PKU). Also called: Phenylketonuria (PKU); FOLLING DISEASE; OLIGOPHRENIA PHENYLPYRUVICA; Phenylketonurias. Identifiers: Orphanet 716, MedGen C0031485, MONDO:0009861, OMIM 261600. Disease mechanism: loss of function.

Allele frequency attached by ClinVar (database versions not stated): gnomAD 0.00001.

Submissions (6):

ClinGen PAH Variant Curation Expert Panel
Classification: Likely pathogenic for Phenylketonuria. Last evaluated: 2018-08-10. Review status: reviewed by expert panel. Criteria: ClinGen PAH ACMG Specifications v1. Collection method: curation. Allele origin: germline. Inheritance: Autosomal recessive inheritance.
Comment: PAH-specific ACMG/AMP criteria applied: PM2: Absent from ExAC, gnomAD, 1000G, ESP; PP3: Deleterious effect predicted in SIFT, Polyphen-2, MutationTaster. REVEL=0.966; PP4_Moderate: Detected in PKU patients. BH4 deficiency assessed. Upgraded per ClinGen PAH EP. (PMID:26600521; PMID:23430918); PM3_Strong: Detected with c.611A>G (P/LP) and R408W (P). Upgraded per ClinGen SVI workgroup. (PMID:23430918; PMID:26600521). In summary this variant meets criteria to be classified as likely pathogenic for phenylketonuria in an autosomal recessive manner based on the ACMG/AMP criteria applied as specified by the PAH Expert Panel: (PM2, PP3, PP4_Moderate, PM3_Strong).

Women's Health and Genetics/Laboratory Corporation of America, LabCorp
Classification: Likely pathogenic for Phenylketonuria. Last evaluated: 2025-07-10. Review status: criteria provided, single submitter. Criteria: LabCorp Variant Classification Summary - May 2015. Collection method: clinical testing. Allele origin: germline. Not counted in ClinVar's aggregate classification.
Comment: Variant summary: PAH c.511G>A (p.Gly171Arg) results in a non-conservative amino acid change in the encoded protein sequence. Algorithms developed to predict the effect of missense changes on protein structure and function all suggest that this variant is likely to be disruptive. Several computational tools predict a significant impact on normal splicing: Three predict the variant creates a cryptic 3' acceptor site. However, these predictions have yet to be confirmed by functional studies. The variant was absent in 250966 control chromosomes. c.511G>A has been observed in individual(s) affected with Phenylalanine Hydroxylase Deficiency (Phenylketonuria) (examples: (Fang_2023, Liu_2017, Sarkissian_2012, Internal data)). These data indicate that the variant is likely to be associated with disease. The following publications have been ascertained in the context of this evaluation (PMID: 23430918, 28982351, 37004080). ClinVar contains an entry for this variant (Variation ID: 102716). Based on the evidence outlined above, the variant was classified as likely pathogenic.

Natera, Inc.
Classification: Pathogenic for Phenylketonuria. Last evaluated: 2024-06-07. Review status: criteria provided, single submitter. Criteria: Natera Variant Classification Schema (03/2026). Collection method: clinical testing. Allele origin: germline. Not counted in ClinVar's aggregate classification.
Comment: The c.511G>A variant in PAH is a missense variant predicted to cause substitution of glycine to arginine at amino acid 171. This variant is rare in the general population with a frequency below the threshold expected for the associated phenotype(s). This variant has been observed in one or more individuals affected with the associated recessive disease, as either homozygous or compound heterozygous with a second variant (PMID: 26600521, 37237429). Another variant at this same site results in an alteration predicted to cause a similar molecular effect has been observed in individual(s) with the associated phenotype. Computational prediction algorithms indicate this variant is likely to affect gene or protein function. Given the available evidence, this variant is classified as Pathogenic.

Labcorp Genetics (formerly Invitae), Labcorp
Classification: Pathogenic for Phenylketonuria. Last evaluated: 2021-02-24. Review status: criteria provided, single submitter. Criteria: Invitae Variant Classification Sherloc (09022015). Collection method: clinical testing. Allele origin: germline. Not counted in ClinVar's aggregate classification.
Comment: Algorithms developed to predict the effect of sequence changes on RNA splicing suggest that this variant may create or strengthen a splice site, but this prediction has not been confirmed by published transcriptional studies. This sequence change replaces glycine with arginine at codon 171 of the PAH protein (p.Gly171Arg). The glycine residue is highly conserved and there is a moderate physicochemical difference between glycine and arginine. This variant is not present in population databases (ExAC no frequency). This variant has been observed in individual(s) with PAH-related conditions (PMID: 26600521, 28982351, Invitae). In at least one individual the data is consistent with the variant being in trans (on the opposite chromosome) from a pathogenic variant. ClinVar contains an entry for this variant (Variation ID: 102716). Algorithms developed to predict the effect of missense changes on protein structure and function (SIFT, PolyPhen-2, Align-GVGD) all suggest that this variant is likely to be disruptive, but these predictions have not been confirmed by published functional studies and their clinical significance is uncertain. For these reasons, this variant has been classified as Pathogenic.

Counsyl
Classification: Uncertain significance for Phenylketonuria. Last evaluated: 2018-05-01. Review status: no assertion criteria provided. Collection method: clinical testing. Allele origin: unknown. Not counted in ClinVar's aggregate classification.

DeBelle Laboratory for Biochemical Genetics, MUHC/MCH RESEARCH INSTITUTE
No classification provided. Review status: no classification provided. Collection method: not provided. Allele origin: not provided. Not counted in ClinVar's aggregate classification.

Literature cited by the submitters: PubMed 26600521 (cited by 3 submitters); PubMed 23430918 (cited by 3 submitters); PubMed 28982351 (cited by 3 submitters); PubMed 37004080 (cited by Women's Health and Genetics/Laboratory Corporation of America, LabCorp); PubMed 37237429 (cited by Natera, Inc.); PubMed 10527663 (cited by Counsyl).